The following is an entry in ClinVar:

ClinVar aggregate classification (germline): Likely benign. Review status: criteria provided, multiple submitters, no conflicts (2 of 4 stars). 2 submissions from 2 submitters: Likely benign (2). Last evaluated 2025-09-23.

Conditions:
TUBGCP6-related disorder. Also called: TUBGCP6-related condition.

Allele frequency attached by ClinVar (database versions not stated): gnomAD 0.00001; gnomAD exomes 0.00001; TOPMed 0.00003.
gnomAD v4.1: 18 of 1,613,850 alleles (0.0011%); highest among the groups gnomAD compares: African/African-American, 0.004%; no homozygotes.

Submissions (2):

PreventionGenetics, part of Exact Sciences
Classification: Likely benign for TUBGCP6-related condition. Last evaluated: 2025-09-23. Review status: criteria provided, single submitter. Criteria: ACMG Guidelines, 2015. Collection method: clinical testing. Allele origin: germline.
Comment: This variant is classified as likely benign based on ACMG/AMP sequence variant interpretation guidelines (Richards et al. 2015 PMID: 25741868, with internal and published modifications).

Labcorp Genetics (formerly Invitae), Labcorp
Classification: Likely benign. Last evaluated: 2025-03-27. Review status: criteria provided, single submitter. Criteria: Invitae Variant Classification Sherloc (09022015). Collection method: clinical testing. Allele origin: germline.

NM_020461.4(TUBGCP6):c.4788G>A (p.Pro1596=)

Gene: TUBGCP6 (tubulin gamma complex component 6; minus strand). Cytogenetic location: 22q13.33.
Variant type: single nucleotide variant.
Coding change: c.4788G>A on transcript NM_020461.4 (MANE Select); coding-DNA position 4788, G replaced by A.
Protein change: p.Pro1596=; no amino-acid change (proline 1596 retained).
Molecular consequence: synonymous variant.
Genome position (GRCh38, 1-based): chr22:50,218,736, C>T on the plus strand (G>A on the coding strand, the complement: TUBGCP6 is on the minus strand). VCF-style: chr22-50218736-C-T. GRCh37 (hg19) VCF-style: chr22-50657165-C-T.
Other names: c.4788G>A (NM_020461.3).
Identifiers: ClinVar variation 1035344 (VCV001035344.9), dbSNP rs940051903, ClinGen allele CA325509284.